The following is an entry in ClinVar:

ClinVar aggregate classification (germline): Pathogenic. Review status: criteria provided, single submitter (1 of 4 stars). 3 submissions from 3 submitters: Pathogenic (1). 2 of the submissions do not count toward it. Last evaluated 2021-09-26.

Conditions:
Ornithine carbamoyltransferase deficiency (OTCD). Also called: ORNITHINE TRANSCARBAMYLASE DEFICIENCY, HYPERAMMONEMIA DUE TO; OTC DEFICIENCY; ORNITHINE TRANSCARBAMYLASE DEFICIENCY; Ornithine Carbamoyltransferase Deficiency Disease. Identifiers: Orphanet 664, MedGen C0268542, MONDO:0010703, OMIM 311250.

Submissions (3):

Labcorp Genetics (formerly Invitae), Labcorp
Classification: Pathogenic for Ornithine carbamoyltransferase deficiency. Last evaluated: 2021-09-26. Review status: criteria provided, single submitter. Criteria: Invitae Variant Classification Sherloc (09022015). Collection method: clinical testing. Allele origin: germline.
Comment: This premature translational stop signal has been observed in individual(s) with ornithine transcarbamylase deficiency (PMID: 2474822). This variant is not present in population databases (ExAC no frequency). This sequence change creates a premature translational stop signal (p.Glu154*) in the OTC gene. It is expected to result in an absent or disrupted protein product. Loss-of-function variants in OTC are known to be pathogenic (PMID: 10946359, 16786505). For these reasons, this variant has been classified as Pathogenic. ClinVar contains an entry for this variant (Variation ID: 10991).

OMIM
Classification: Pathogenic for ORNITHINE TRANSCARBAMYLASE DEFICIENCY. Last evaluated: 1989-08-01. Review status: no assertion criteria provided. Collection method: literature only. Allele origin: germline. Not counted in ClinVar's aggregate classification.

GenMed Metabolism Lab
Classification: Pathogenic. Review status: no assertion criteria provided. Collection method: not provided. Allele origin: unknown. Not counted in ClinVar's aggregate classification.
Comment: p.Glu154X, Neonatal
ClinVar note: Converted during submission from pathogenic to Pathogenic.

Literature cited by the submitters: PubMed 2474822 (cited by Labcorp Genetics (formerly Invitae), Labcorp and OMIM); PubMed 10946359 (cited by Labcorp Genetics (formerly Invitae), Labcorp); PubMed 16786505 (cited by Labcorp Genetics (formerly Invitae), Labcorp).

NM_000531.6(OTC):c.460G>T (p.Glu154Ter)

Gene: OTC (ornithine transcarbamylase; plus strand). Cytogenetic location: Xp11.4.
Variant type: single nucleotide variant.
Coding change: c.460G>T on transcript NM_000531.6 (MANE Select); coding-DNA position 460, G replaced by T.
Protein change: p.Glu154Ter; replaces glutamic acid 154 with a stop codon.
Molecular consequence: nonsense.
Genome position (GRCh38, 1-based): chrX:38,401,348, G>T. VCF-style: chrX-38401348-G-T. GRCh37 (hg19) VCF-style: chrX-38260601-G-T.
Other names: short protein forms E154*.
Identifiers: ClinVar variation 10991 (VCV000010991.10), dbSNP rs72556267, ClinGen allele CA224619.